The following is an entry in ClinVar:

NM_004656.4(BAP1):c.1984-21_1984-20del

Gene: BAP1 (BRCA1 associated deubiquitinase 1; minus strand). Cytogenetic location: 3p21.1.
Variant type: Deletion.
Coding change: c.1984-21_1984-20del on transcript NM_004656.4 (MANE Select); 21 bases into the intron before coding-DNA position 1984 through 20 bases into the intron before coding-DNA position 1984, 2 bases deleted (CA; older notation c.1984-21_1984-20delCA).
Molecular consequence: intron variant.
Genome position (GRCh38, 1-based): chr3:52,402,694-52,402,695, TG deleted on the plus strand (CA on the coding strand, the reverse complement: BAP1 is on the minus strand). VCF-style (leftmost placement, unchanged base first): chr3-52402693-CTG-C. GRCh37 (hg19) VCF-style: chr3-52436709-CTG-C.
Identifiers: ClinVar variation 926988 (VCV000926988.11), dbSNP rs751271086, ClinGen allele CA2436630.

ClinVar aggregate classification (germline): Benign/Likely benign. Review status: criteria provided, multiple submitters, no conflicts (2 of 4 stars). 3 submissions from 3 submitters: Benign (1); Likely benign (2). Last evaluated 2025-10-17.

Conditions:
Hereditary cancer-predisposing syndrome. Also called: Neoplastic Syndromes, Hereditary; Tumor predisposition; Hereditary Cancer Syndrome; Hereditary neoplastic syndrome. Identifiers: Orphanet 140162, MedGen C0027672, MeSH D009386, MONDO:0015356.
BAP1-related tumor predisposition syndrome (TPDS1). Also called: Tumor susceptibility linked to germline BAP1 mutations; COMMON Syndrome; TUMOR PREDISPOSITION SYNDROME 1; BAP1 tumor predisposition syndrome. Identifiers: Orphanet 289539, MedGen C3280492, MONDO:0013692, OMIM 614327.

Allele frequency attached by ClinVar (database versions not stated): ExAC 0.00001; gnomAD 0.00001; gnomAD exomes 0.00001; TOPMed 0.00001.

Submissions (3):

Labcorp Genetics (formerly Invitae), Labcorp
Classification: Likely benign for BAP1-related tumor predisposition syndrome. Last evaluated: 2025-10-17. Review status: criteria provided, single submitter. Criteria: Invitae Variant Classification Sherloc (09022015). Collection method: clinical testing. Allele origin: germline.

Myriad Genetics, Inc.
Classification: Benign for BAP1-related tumor predisposition syndrome. Last evaluated: 2024-07-17. Review status: criteria provided, single submitter. Criteria: Myriad Autosomal Dominant, Autosomal Recessive and X-Linked Classification Criteria (2023). Collection method: clinical testing. Allele origin: unknown.
Comment: This variant is considered benign. This variant is intronic and is not expected to impact mRNA splicing. This variant has been observed at a population frequency that is significantly greater than expected given the associated disease prevalence and penetrance.

Color Diagnostics, LLC DBA Color Health
Classification: Likely benign for Hereditary cancer-predisposing syndrome. Last evaluated: 2019-08-21. Review status: criteria provided, single submitter. Criteria: ACMG Guidelines, 2015. Collection method: clinical testing. Allele origin: germline.